The following is an entry in ClinVar:

NM_022436.3(ABCG5):c.-118A>C

Gene: ABCG5 (ATP binding cassette subfamily G member 5; minus strand). Cytogenetic location: 2p21.
Variant type: single nucleotide variant.
Coding change: c.-118A>C on transcript NM_022436.3 (MANE Select); 118 bases upstream of the start codon, A replaced by C.
Molecular consequence: 5 prime UTR variant.
Genome position (GRCh38, 1-based): chr2:43,838,797, T>G on the plus strand (A>C on the coding strand, the complement: ABCG5 is on the minus strand). VCF-style: chr2-43838797-T-G. GRCh37 (hg19) VCF-style: chr2-44065936-T-G.
Identifiers: ClinVar variation 336058 (VCV000336058.9), dbSNP rs55853083, ClinGen allele CA10613859.

ClinVar aggregate classification (germline): Benign/Likely benign. Review status: criteria provided, multiple submitters, no conflicts (2 of 4 stars). 3 submissions from 3 submitters: Benign (1); Likely benign (2). Last evaluated 2018-07-09.

Conditions:
Sitosterolemia 1. Identifiers: MedGen C2749759, MONDO:0020747, OMIM 210250.

Allele frequency attached by ClinVar (database versions not stated): TOPMed 0.00937; 1000 Genomes Project 30x 0.01796; 1000 Genomes Project 0.01917.
gnomAD v4.1: 28,534 of 1,540,946 alleles (1.9%); highest among the groups gnomAD compares: South Asian, 11%; 747 homozygotes.

Submissions (3):

GeneDx
Classification: Likely benign. Last evaluated: 2018-07-09. Review status: criteria provided, single submitter. Criteria: GeneDx Variant Classification Process June 2021. Collection method: clinical testing. Allele origin: germline. Affected: yes.

Illumina Laboratory Services, Illumina
Classification: Benign for Sitosterolemia 1. Last evaluated: 2018-01-13. Review status: criteria provided, single submitter. Criteria: ICSL Variant Classification Criteria 13 December 2019. Collection method: clinical testing. Allele origin: germline.
Comment: This variant was observed in the ICSL laboratory as part of a predisposition screen in an ostensibly healthy population. It had not been previously curated by ICSL or reported in the Human Gene Mutation Database (HGMD: prior to June 1st, 2018), and was therefore a candidate for classification through an automated scoring system. Utilizing variant allele frequency, disease prevalence and penetrance estimates, and inheritance mode, an automated score was calculated to assess if this variant is too frequent to cause the disease. Based on the score and internal cut-off values, a variant classified as benign is not then subjected to further curation. The score for this variant resulted in a classification of benign for this disease.

Breakthrough Genomics
Classification: Likely benign. Review status: criteria provided, single submitter. Criteria: ACMG Guidelines, 2015. Collection method: not provided. Allele origin: germline. Inheritance: Autosomal recessive inheritance. Affected: yes.